The following is an entry in ClinVar:

ClinVar aggregate classification (germline): Uncertain significance. Review status: criteria provided, multiple submitters, no conflicts (2 of 4 stars). 6 submissions from 6 submitters: Uncertain significance (6). Last evaluated 2025-11-21.

Conditions:
Tuberous sclerosis syndrome (TSC). Also called: Tuberous Sclerosis Complex; Tuberous sclerosis. Identifiers: Orphanet 805, MedGen C0041341, MONDO:0001734.
Isolated focal cortical dysplasia type II (FCORD2). Also called: Focal cortical dysplasia type II; CORTICAL DYSPLASIA OF TAYLOR. Identifiers: Orphanet 268994, MedGen C1846385, MONDO:0011818, OMIM 607341, HP:0032051.
Tuberous sclerosis 2 (TSC2). Identifiers: Orphanet 805, MedGen C1860707, MONDO:0013199, OMIM 613254.
Lymphangiomyomatosis (LAM). Also called: Lymphangioleiomyomatosis; Lymphangioleiomyomatosis, somatic. Identifiers: Orphanet 538, MedGen C0751674, MONDO:0011705, OMIM 606690.
Hereditary cancer-predisposing syndrome. Also called: Tumor predisposition; Hereditary Cancer Syndrome; Hereditary neoplastic syndrome; Neoplastic Syndromes, Hereditary. Identifiers: Orphanet 140162, MedGen C0027672, MeSH D009386, MONDO:0015356.

Allele frequency attached by ClinVar (database versions not stated): gnomAD 0.00001; TOPMed 0.00001.
gnomAD v4.1: 1 of 1,612,076 alleles (0.000062%); highest among the groups gnomAD compares: Non-Finnish European, 0.000085%; no homozygotes.

Submissions (6):

Labcorp Genetics (formerly Invitae), Labcorp
Classification: Uncertain significance for Tuberous sclerosis 2. Last evaluated: 2025-11-21. Review status: criteria provided, single submitter. Criteria: Invitae Variant Classification Sherloc (09022015). Collection method: clinical testing. Allele origin: germline.
Comment: This sequence change replaces methionine, which is neutral and non-polar, with valine, which is neutral and non-polar, at codon 839 of the TSC2 protein (p.Met839Val). This variant is not present in population databases (gnomAD no frequency). This variant has not been reported in the literature in individuals affected with TSC2-related conditions. ClinVar contains an entry for this variant (Variation ID: 233517). Invitae Evidence Modeling of protein sequence and biophysical properties (such as structural, functional, and spatial information, amino acid conservation, physicochemical variation, residue mobility, and thermodynamic stability) indicates that this missense variant is not expected to disrupt TSC2 protein function with a negative predictive value of 95%. In summary, the available evidence is currently insufficient to determine the role of this variant in disease. Therefore, it has been classified as a Variant of Uncertain Significance.

Color Diagnostics, LLC DBA Color Health
Classification: Uncertain significance for Tuberous sclerosis syndrome. Last evaluated: 2025-06-24. Review status: criteria provided, single submitter. Criteria: ACMG Guidelines, 2015. Collection method: clinical testing. Allele origin: germline.
Comment: This missense variant replaces methionine with valine at codon 839 of the TSC2 protein. Computational prediction is inconclusive regarding the impact of this variant on protein structure and function. To our knowledge, functional studies have not been reported for this variant. This variant has not been reported in individuals affected with TSC2-related disorders in the literature. This variant has not been identified in the general population by the Genome Aggregation Database (gnomAD). The available evidence is insufficient to determine the role of this variant in disease conclusively. Therefore, this variant is classified as a Variant of Uncertain Significance.

Ambry Genetics
Classification: Uncertain significance for Hereditary cancer-predisposing syndrome. Last evaluated: 2025-05-02. Review status: criteria provided, single submitter. Criteria: Ambry Variant Classification Scheme 2023. Collection method: clinical testing. Allele origin: germline.
Comment: The p.M839V variant (also known as c.2515A>G), located in coding exon 21 of the TSC2 gene, results from an A to G substitution at nucleotide position 2515. The methionine at codon 839 is replaced by valine, an amino acid with highly similar properties. This amino acid position is highly conserved in available vertebrate species. In addition, this alteration is predicted to be deleterious by in silico analysis. Since supporting evidence is limited at this time, the clinical significance of this alteration remains unclear.

Baylor Genetics
Classification: Uncertain significance for Isolated focal cortical dysplasia type II. Last evaluated: 2024-02-06. Review status: criteria provided, single submitter. Criteria: ACMG Guidelines, 2015. Collection method: clinical testing. Allele origin: unknown.

Fulgent Genetics
Classification: Uncertain significance for Lymphangiomyomatosis; Isolated focal cortical dysplasia type II; Tuberous sclerosis 2. Last evaluated: 2021-12-01. Review status: criteria provided, single submitter. Criteria: ACMG Guidelines, 2015. Collection method: clinical testing. Allele origin: unknown.

Genome-Nilou Lab
Classification: Uncertain significance for Tuberous sclerosis 2. Last evaluated: 2021-11-07. Review status: criteria provided, single submitter. Criteria: ACMG Guidelines, 2015. Collection method: clinical testing. Allele origin: germline. Affected: no.

NM_000548.5(TSC2):c.2515A>G (p.Met839Val)

Gene: TSC2 (TSC complex subunit 2; plus strand). Cytogenetic location: 16p13.3.
Variant type: single nucleotide variant.
Coding change: c.2515A>G on transcript NM_000548.5 (MANE Select); coding-DNA position 2515, A replaced by G.
Protein change: p.Met839Val; replaces methionine 839 with valine.
Molecular consequence: missense variant.
Genome position (GRCh38, 1-based): chr16:2,074,359, A>G. VCF-style: chr16-2074359-A-G. GRCh37 (hg19) VCF-style: chr16-2124360-A-G.
Other names: c.2515A>G, p.Met839Val (NM_001077183.3, NM_001114382.3, NM_001363528.2 and 3 more transcripts); c.2404A>G, p.Met802Val (NM_001318827.2); c.2368A>G, p.Met790Val (NM_001318829.2); c.1915A>G, p.Met639Val (NM_001318831.2); c.2548A>G, p.Met850Val (NM_001318832.2); short protein forms M839V, M850V, M639V, M790V, M802V.
Identifiers: ClinVar variation 233517 (VCV000233517.19), dbSNP rs876660457, ClinGen allele CA10579886.
Genomic context (GRCh38, chr16:2,074,359, plus strand): 5'-ATCATCAAGGCGCTGCCTGTTCTGGTGGTGAAGCTCACGCACATCTCAGCCACAGCCAGC[A>G]TGGCCGTCCCACTGCTGGAGTTCCTGTCCAGTGAGTCCCCGCCCTGCCTGCGCATGCACC-3'
Protein context (NP_000539.2, residues 829-849): KLTHISATAS[Met839Val]AVPLLEFLST